The following is an entry in ClinVar:

NM_002474.3(MYH11):c.3035C>A (p.Thr1012Lys)

Gene: MYH11 (myosin heavy chain 11; minus strand). Cytogenetic location: 16p13.11.
Variant type: single nucleotide variant.
Coding change: c.3035C>A on transcript NM_002474.3 (MANE Select); coding-DNA position 3035, C replaced by A.
Protein change: p.Thr1012Lys; replaces threonine 1012 with lysine.
Molecular consequence: missense variant.
Genome position (GRCh38, 1-based): chr16:15,738,651, G>T on the plus strand (C>A on the coding strand, the complement: MYH11 is on the minus strand). VCF-style: chr16-15738651-G-T. GRCh37 (hg19) VCF-style: chr16-15832508-G-T.
Other names: c.3056C>A, p.Thr1019Lys (NM_001040113.2, NM_001040114.2); c.3035C>A, p.Thr1012Lys (NM_022844.3); c.3035C>A (NM_002474.2); short protein forms T1019K, T1012K.
Identifiers: ClinVar variation 920041 (VCV000920041.8), dbSNP rs373881911, ClinGen allele CA394863970.

ClinVar aggregate classification (germline): Uncertain significance. Review status: criteria provided, multiple submitters, no conflicts (2 of 4 stars). 4 submissions from 4 submitters: Uncertain significance (4). Last evaluated 2026-01-19.

Conditions:
Familial thoracic aortic aneurysm and aortic dissection (TAAD). Also called: Thoracic aortic aneurysms and dissections. Identifiers: Orphanet 91387, MedGen C4707243, MONDO:0019625.
Aortic aneurysm, familial thoracic 4 (AAT4). Also called: AORTIC ANEURYSM/AORTIC DISSECTION AND PATENT DUCTUS ARTERIOSUS. Identifiers: MedGen C1851504, MONDO:0007568, OMIM 132900.

gnomAD v4.1: 1 of 1,613,810 alleles (0.000062%); highest among the groups gnomAD compares: Non-Finnish European, 0.000085%; no homozygotes.

Submissions (4):

Labcorp Genetics (formerly Invitae), Labcorp
Classification: Uncertain significance for Aortic aneurysm, familial thoracic 4. Last evaluated: 2026-01-19. Review status: criteria provided, single submitter. Criteria: Invitae Variant Classification Sherloc (09022015). Collection method: clinical testing. Allele origin: germline.
Comment: This sequence change replaces threonine, which is neutral and polar, with lysine, which is basic and polar, at codon 1019 of the MYH11 protein (p.Thr1019Lys). This variant is not present in population databases (gnomAD no frequency). This variant has not been reported in the literature in individuals affected with MYH11-related conditions. ClinVar contains an entry for this variant (Variation ID: 920041). Invitae Evidence Modeling of protein sequence and biophysical properties (such as structural, functional, and spatial information, amino acid conservation, physicochemical variation, residue mobility, and thermodynamic stability) indicates that this missense variant is not expected to disrupt MYH11 protein function with a negative predictive value of 95%. In summary, the available evidence is currently insufficient to determine the role of this variant in disease. Therefore, it has been classified as a Variant of Uncertain Significance.

Ambry Genetics
Classification: Uncertain significance for Familial thoracic aortic aneurysm and aortic dissection. Last evaluated: 2025-01-27. Review status: criteria provided, single submitter. Criteria: Ambry Variant Classification Scheme 2023. Collection method: clinical testing. Allele origin: germline.
Comment: The p.T1012K variant (also known as c.3035C>A), located in coding exon 23 of the MYH11 gene, results from a C to A substitution at nucleotide position 3035. The threonine at codon 1012 is replaced by lysine, an amino acid with similar properties. This amino acid position is conserved. In addition, the in silico prediction for this alteration is inconclusive. Based on the available evidence, the clinical significance of this variant remains unclear.

Color Diagnostics, LLC DBA Color Health
Classification: Uncertain significance for Familial thoracic aortic aneurysm and aortic dissection. Last evaluated: 2024-03-06. Review status: criteria provided, single submitter. Criteria: ACMG Guidelines, 2015. Collection method: clinical testing. Allele origin: germline.
Comment: This missense variant replaces threonine with lysine at codon 1019 of the MYH11 protein. Computational prediction is inconclusive regarding the impact of this variant on protein structure and function (internally defined REVEL score threshold 0.5 < inconclusive < 0.7, PMID: 27666373). To our knowledge, functional studies have not been reported for this variant. This variant has not been reported in individuals affected with MYH11-related disorders in the literature. This variant has not been identified in the general population by the Genome Aggregation Database (gnomAD). The available evidence is insufficient to determine the role of this variant in disease conclusively. Therefore, this variant is classified as a Variant of Uncertain Significance.

All of Us Research Program, National Institutes of Health
Classification: Uncertain significance for Familial thoracic aortic aneurysm and aortic dissection. Last evaluated: 2023-11-20. Review status: criteria provided, single submitter. Criteria: ACMG Guidelines, 2015. Collection method: clinical testing. Allele origin: germline. Inheritance: Autosomal dominant inheritance. Observed: 1 variant allele, 1 heterozygote.
Comment: This missense variant replaces threonine with lysine at codon 1019 of the MYH11 protein. Computational prediction is inconclusive regarding the impact of this variant on protein structure and function (internally defined REVEL score threshold 0.5 < inconclusive < 0.7, PMID: 27666373). To our knowledge, functional studies have not been reported for this variant. This variant has not been reported in individuals affected with cardiovascular disorders in the literature. This variant has not been identified in the general population by the Genome Aggregation Database (gnomAD). The available evidence is insufficient to determine the role of this variant in disease conclusively. Therefore, this variant is classified as a Variant of Uncertain Significance.

This study involves interpretation of variants in research participants for the purpose of population health screening. Participant phenotype was not available at the time of variant classification. Additional details can be found in publication PMID: 35346344, PMCID: PMC8962531